The following is an entry in ClinVar:

NM_004360.5(CDH1):c.103G>C (p.Glu35Gln)

Gene: CDH1 (cadherin 1; plus strand). Cytogenetic location: 16q22.1.
Variant type: single nucleotide variant.
Coding change: c.103G>C on transcript NM_004360.5 (MANE Select); coding-DNA position 103, G replaced by C.
Protein change: p.Glu35Gln; replaces glutamic acid 35 with glutamine.
Molecular consequence: missense variant. On other transcripts: 5 prime UTR variant (2).
Genome position (GRCh38, 1-based): chr16:68,738,351, G>C. VCF-style: chr16-68738351-G-C. GRCh37 (hg19) VCF-style: chr16-68772254-G-C.
Other names: c.103G>C, p.Glu35Gln (NM_001317184.2); c.-1513G>C (NM_001317185.2); c.-1717G>C (NM_001317186.2); short protein forms E35Q.
Identifiers: ClinVar variation 4735451 (VCV004735451.1).

ClinVar aggregate classification (germline): Uncertain significance (1 of 4 stars; one submission).

Conditions:
Hereditary diffuse gastric adenocarcinoma (HDGC). Also called: DIFFUSE GASTRIC AND LOBULAR BREAST CANCER SYNDROME. Identifiers: Orphanet 26106, MedGen C1708349, MONDO:0007648, OMIM 137215.

gnomAD v4.1: 1 of 1,551,328 alleles (0.000064%); highest among the groups gnomAD compares: Non-Finnish European, 0.000087%; no homozygotes.

Submission:

Labcorp Genetics (formerly Invitae), Labcorp
Classification: Uncertain significance for Hereditary diffuse gastric adenocarcinoma. Last evaluated: 2026-01-16. Review status: criteria provided, single submitter. Criteria: Invitae Variant Classification Sherloc (09022015). Collection method: clinical testing. Allele origin: germline.
Comment: This sequence change replaces glutamic acid, which is acidic and polar, with glutamine, which is neutral and polar, at codon 35 of the CDH1 protein (p.Glu35Gln). This variant is not present in population databases (gnomAD no frequency). This variant has not been reported in the literature in individuals affected with CDH1-related conditions. An algorithm developed to predict the effect of missense changes on protein structure and function outputs the following: PolyPhen-2: "Benign". The glutamine amino acid residue is found in multiple mammalian species, which suggests that this missense change does not adversely affect protein function. In summary, the available evidence is currently insufficient to determine the role of this variant in disease. Therefore, it has been classified as a Variant of Uncertain Significance.